The following is an entry in ClinVar:

NM_007294.4(BRCA1):c.74_75del (p.Pro25fs)

Gene: BRCA1 (BRCA1 DNA repair associated; minus strand). Cytogenetic location: 17q21.31.
Variant type: Deletion.
Coding change: c.74_75del on transcript NM_007294.4 (MANE Select); coding-DNA positions 74 to 75, 2 bases deleted (CC; older notation c.74_75delCC).
Protein change: p.Pro25fs; shifts the reading frame from proline 25.
Molecular consequence: frameshift variant. On other transcripts: 5 prime UTR variant (1), non-coding transcript variant (1).
Genome position (GRCh38, 1-based): chr17:43,124,022-43,124,023, GG deleted on the plus strand (CC on the coding strand, the reverse complement: BRCA1 is on the minus strand); deleting any 2 consecutive bases within chr17:43,124,022-43,124,024 gives the same sequence; the c. name uses the placement nearest the transcript's 3' end. VCF-style (leftmost placement, unchanged base first): chr17-43124021-TGG-T. GRCh37 (hg19) VCF-style: chr17-41276038-TGG-T.
Other names: 192delCC; c.74_75delCC (NM_007294.3); c.-116_-115delCC (NM_001407571.1, NM_001407853.1, NM_001407879.1 and 46 more transcripts); c.73_74delCC, p.Pro25Hisfs (NM_001407581.1, NM_001407582.1, NM_001407583.1 and 191 more transcripts); c.-185_-184delCC (NM_001407694.1, NM_001407724.1, NM_001407727.1 and 11 more transcripts); c.-189_-188delCC (NM_001407695.1, NM_001408465.1); c.-330_-329delCC (NM_001407696.1); c.-214_-213delCC (NM_001407697.1, NM_001407846.1, NM_001407920.1); and 12 more; short protein forms P25fs.
Identifiers: ClinVar variation 254368 (VCV000254368.3), dbSNP rs80357633, ClinGen allele CA003843.

ClinVar aggregate classification (germline): Pathogenic. Review status: reviewed by expert panel (3 of 4 stars). 2 submissions from 2 submitters: Pathogenic (1). 1 of the submissions does not count toward it. Last evaluated 2016-09-08.

Conditions:
Breast-ovarian cancer, familial, susceptibility to, 1 (BROVCA1). Also called: BRCA1 Hereditary Breast and Ovarian Cancer; OVARIAN CANCER, SUSCEPTIBILITY TO. Identifiers: Orphanet 145, MedGen C2676676, MONDO:0011450, OMIM 604370. Disease mechanism: loss of function.

Submissions (2):

Evidence-based Network for the Interpretation of Germline Mutant Alleles (ENIGMA)
Classification: Pathogenic for Breast-ovarian cancer, familial, susceptibility to, 1. Last evaluated: 2016-09-08. Review status: reviewed by expert panel. Criteria: ENIGMA BRCA1/2 Classification Criteria (2015). Collection method: curation. Allele origin: germline.
Comment: Variant allele predicted to encode a truncated non-functional protein.

Breast Cancer Information Core (BIC) (BRCA1)
Classification: Pathogenic for Breast-ovarian cancer, familial 1. Review status: no assertion criteria provided. Collection method: clinical testing. Allele origin: germline. Affected: yes. Observed: 1 variant allele. Not counted in ClinVar's aggregate classification.